The following is an entry in ClinVar:

NM_018699.4(PRDM5):c.386A>C (p.Glu129Ala)

Gene: PRDM5 (PR/SET domain 5; minus strand). Cytogenetic location: 4q27.
Variant type: single nucleotide variant.
Coding change: c.386A>C on transcript NM_018699.4 (MANE Select); coding-DNA position 386, A replaced by C.
Protein change: p.Glu129Ala; replaces glutamic acid 129 with alanine.
Molecular consequence: missense variant.
Genome position (GRCh38, 1-based): chr4:120,821,260, T>G on the plus strand (A>C on the coding strand, the complement: PRDM5 is on the minus strand). VCF-style: chr4-120821260-T-G. GRCh37 (hg19) VCF-style: chr4-121742415-T-G.
Other names: c.386A>C, p.Glu129Ala (NM_001300823.2, NM_001300824.2, NM_001379104.1 and 1 more transcripts); short protein forms E129A.
Identifiers: ClinVar variation 2565111 (VCV002565111.2), dbSNP rs1755224998, ClinGen allele CA358208833.

ClinVar aggregate classification (germline): Uncertain significance (1 of 4 stars; one submission).

Conditions:
Cardiovascular phenotype. Identifiers: MedGen CN230736.

Submission:

Ambry Genetics
Classification: Uncertain significance for Cardiovascular phenotype. Last evaluated: 2023-03-16. Review status: criteria provided, single submitter. Criteria: Ambry Variant Classification Scheme 2023. Collection method: clinical testing. Allele origin: germline.
Comment: The p.E129A variant (also known as c.386A>C), located in coding exon 4 of the PRDM5 gene, results from an A to C substitution at nucleotide position 386. The glutamic acid at codon 129 is replaced by alanine, an amino acid with dissimilar properties. This amino acid position is conserved. In addition, this alteration is predicted to be tolerated by in silico analysis. Since supporting evidence is limited at this time, the clinical significance of this alteration remains unclear.